The following is an entry in ClinVar:

ClinVar aggregate classification (germline): Uncertain significance. Review status: criteria provided, multiple submitters, no conflicts (2 of 4 stars). 3 submissions from 3 submitters: Uncertain significance (3). Last evaluated 2025-12-08.

Conditions:
Inborn genetic diseases. Identifiers: MedGen C0950123, MeSH D030342.
BNAR syndrome. Also called: Bifid Nose With or Without Anorectal and Renal Anomalies (BNAR) Syndrome. Identifiers: Orphanet 217266, MedGen C2750433, MONDO:0012165, OMIM 608980.
Oculotrichoanal syndrome (MOTA). Also called: MARLES SYNDROME; Manitoba Oculotrichoanal (MOTA) Syndrome. Identifiers: Orphanet 2717, MedGen C1855425, MONDO:0009560, OMIM 248450.
Trigonocephaly 2 (TRIGNO2). Identifiers: Orphanet 3366, MedGen C3280974, MONDO:0013774, OMIM 614485.

Allele frequency attached by ClinVar (database versions not stated): ExAC 0.00001; TOPMed 0.00002; gnomAD 0.00001; gnomAD exomes 0.00001.
gnomAD v4.1: 10 of 1,605,276 alleles (0.00062%); highest among the groups gnomAD compares: Admixed American, 0.017%; no homozygotes.

Submissions (3):

Ambry Genetics
Classification: Uncertain significance for Inborn genetic diseases. Last evaluated: 2025-12-08. Review status: criteria provided, single submitter. Criteria: Ambry Variant Classification Scheme 2023. Collection method: clinical testing. Allele origin: germline.

Labcorp Genetics (formerly Invitae), Labcorp
Classification: Uncertain significance. Last evaluated: 2025-06-12. Review status: criteria provided, single submitter. Criteria: Invitae Variant Classification Sherloc (09022015). Collection method: clinical testing. Allele origin: germline.
Comment: This sequence change replaces valine, which is neutral and non-polar, with phenylalanine, which is neutral and non-polar, at codon 848 of the FREM1 protein (p.Val848Phe). This variant is present in population databases (rs760074290, gnomAD 0.009%). This variant has not been reported in the literature in individuals affected with FREM1-related conditions. ClinVar contains an entry for this variant (Variation ID: 2047129). Invitae Evidence Modeling of protein sequence and biophysical properties (such as structural, functional, and spatial information, amino acid conservation, physicochemical variation, residue mobility, and thermodynamic stability) indicates that this missense variant is not expected to disrupt FREM1 protein function with a negative predictive value of 80%. In summary, the available evidence is currently insufficient to determine the role of this variant in disease. Therefore, it has been classified as a Variant of Uncertain Significance.

Fulgent Genetics
Classification: Uncertain significance for Oculotrichoanal syndrome; BNAR syndrome; Trigonocephaly 2. Last evaluated: 2023-12-26. Review status: criteria provided, single submitter. Criteria: ACMG Guidelines, 2015. Collection method: clinical testing. Allele origin: germline.

NM_001379081.2(FREM1):c.2542G>T (p.Val848Phe)

Gene: FREM1 (FRAS1 related extracellular matrix 1; minus strand). Cytogenetic location: 9p22.3.
Variant type: single nucleotide variant.
Coding change: c.2542G>T on transcript NM_001379081.2 (MANE Select); coding-DNA position 2542, G replaced by T.
Protein change: p.Val848Phe; replaces valine 848 with phenylalanine.
Molecular consequence: missense variant. On other transcripts: non-coding transcript variant (1).
Genome position (GRCh38, 1-based): chr9:14,819,238, C>A on the plus strand (G>T on the coding strand, the complement: FREM1 is on the minus strand). VCF-style: chr9-14819238-C-A. GRCh37 (hg19) VCF-style: chr9-14819236-C-A.
Other names: c.2542G>T (NM_144966.5); c.2542G>T, p.Val848Phe (NM_144966.7); short protein forms V848F.
Identifiers: ClinVar variation 2047129 (VCV002047129.8), dbSNP rs760074290, ClinGen allele CA4990900.
Genomic context (GRCh38, chr9:14,819,238, plus strand): 5'-CTGATCTAGATAAGAAACTAAAGCATGTAAATAAAAAAACCATGAAATGTTCTAACCTAA[C>A]TTTTAAGGTATGGAGATCGCCCCAAGAAAATGTGCCCCCTGAATTTAGAGGAAATCCATT-3'
Protein context (NP_001366010.1, residues 838-858): FSWGDLHTLK[Val848Phe]RYQHDGTEVL